The following is an entry in ClinVar:

ClinVar aggregate classification (germline): Uncertain significance. Review status: criteria provided, multiple submitters, no conflicts (2 of 4 stars). 2 submissions from 2 submitters: Uncertain significance (2). Last evaluated 2021-09-01.

Allele frequency attached by ClinVar (database versions not stated): gnomAD exomes below 0.00001; gnomAD 0.00001; ESP Exome Variant Server 0.00008.
gnomAD v4.1: 4 of 1,612,672 alleles (0.00025%); highest among the groups gnomAD compares: African/African-American, 0.0013%; no homozygotes.

Submissions (2):

Labcorp Genetics (formerly Invitae), Labcorp
Classification: Uncertain significance. Last evaluated: 2021-09-01. Review status: criteria provided, single submitter. Criteria: Invitae Variant Classification Sherloc (09022015). Collection method: clinical testing. Allele origin: germline.
Comment: This sequence change replaces glutamine with arginine at codon 526 of the ADGRV1 protein (p.Gln526Arg). The glutamine residue is highly conserved and there is a small physicochemical difference between glutamine and arginine. This variant is not present in population databases (ExAC no frequency). This variant has not been reported in the literature in individuals affected with ADGRV1-related conditions. Algorithms developed to predict the effect of missense changes on protein structure and function are either unavailable or do not agree on the potential impact of this missense change (SIFT: "Deleterious"; PolyPhen-2: "Benign"; Align-GVGD: "Class C0"). In summary, the available evidence is currently insufficient to determine the role of this variant in disease. Therefore, it has been classified as a Variant of Uncertain Significance.

Blueprint Genetics
Classification: Uncertain significance. Last evaluated: 2021-07-19. Review status: criteria provided, single submitter. Criteria: ACMG Guidelines, 2015. Collection method: clinical testing. Allele origin: germline.

NM_032119.4(ADGRV1):c.1577A>G (p.Gln526Arg)

Gene: ADGRV1 (adhesion G protein-coupled receptor V1; plus strand). Cytogenetic location: 5q14.3.
Variant type: single nucleotide variant.
Coding change: c.1577A>G on transcript NM_032119.4 (MANE Select); coding-DNA position 1577, A replaced by G.
Protein change: p.Gln526Arg; replaces glutamine 526 with arginine.
Molecular consequence: missense variant. On other transcripts: non-coding transcript variant (1).
Genome position (GRCh38, 1-based): chr5:90,629,277, A>G. VCF-style: chr5-90629277-A-G. GRCh37 (hg19) VCF-style: chr5-89925094-A-G.
Other names: short protein forms Q526R.
Identifiers: ClinVar variation 1026377 (VCV001026377.7), dbSNP rs372984547, ClinGen allele CA121826732.